The following is an entry in ClinVar:

ClinVar aggregate classification (germline): Likely pathogenic (1 of 4 stars; one submission).

Submission:

Labcorp Genetics (formerly Invitae), Labcorp
Classification: Likely pathogenic. Last evaluated: 2023-10-31. Review status: criteria provided, single submitter. Criteria: Invitae Variant Classification Sherloc (09022015). Collection method: clinical testing. Allele origin: germline.
Comment: This sequence change affects a splice site in intron 2 of the NDUFS1 gene. It is expected to disrupt RNA splicing. Variants that disrupt the donor or acceptor splice site typically lead to a loss of protein function (PMID: 16199547), and loss-of-function variants in NDUFS1 are known to be pathogenic (PMID: 11349233, 22200994). This variant is not present in population databases (gnomAD no frequency). This variant has not been reported in the literature in individuals affected with NDUFS1-related conditions. Algorithms developed to predict the effect of sequence changes on RNA splicing suggest that this variant may disrupt the consensus splice site. In summary, the currently available evidence indicates that the variant is pathogenic, but additional data are needed to prove that conclusively. Therefore, this variant has been classified as Likely Pathogenic.

Literature cited by the submitters: PubMed 16199547; PubMed 11349233; PubMed 22200994.

NM_005006.7(NDUFS1):c.61+1_61+3del

Gene: NDUFS1 (NADH:ubiquinone oxidoreductase core subunit S1; minus strand). Cytogenetic location: 2q33.3.
Variant type: Microsatellite.
Coding change: c.61+1_61+3del on transcript NM_005006.7 (MANE Select); the canonical splice donor site of the intron after coding-DNA position 61 through 3 bases into the intron after coding-DNA position 61, 3 bases deleted (GTG; older notation c.61+1_61+3delGTG).
Molecular consequence: splice donor variant. On other transcripts: initiator codon variant (1).
Genome position (GRCh38, 1-based): chr2:206,153,615-206,153,617, CAC deleted on the plus strand (GTG on the coding strand, the reverse complement: NDUFS1 is on the minus strand); deleting any 3 consecutive bases within chr2:206,153,615-206,153,620 gives the same sequence; the c. name uses the placement nearest the transcript's 3' end. VCF-style (leftmost placement, unchanged base first): chr2-206153614-TCAC-T. GRCh37 (hg19) VCF-style: chr2-207018338-TCAC-T.
Other names: c.5+1_5+3del (NM_001199982.2); c.-19+1_-19+3del (NM_001199983.2); c.61+1_61+3del (NM_001199981.2); c.103+1_103+3del (NM_001199984.2).
Identifiers: ClinVar variation 2769975 (VCV002769975.3), dbSNP rs2470086949, ClinGen allele CA2697551492.